The following is an entry in ClinVar:

ClinVar aggregate classification (germline): Uncertain significance (1 of 4 stars; one submission).

Conditions:
Primary dilated cardiomyopathy (DCM). Also called: Dilated Cardiomyopathy. Identifiers: Orphanet 217604, MedGen C0007193, MeSH D002311, MONDO:0005021, HP:0001644. Inheritance: Various modes of inheritance.

Allele frequency attached by ClinVar (database versions not stated): ESP Exome Variant Server 0.00022; TOPMed 0.00063; 1000 Genomes Project 30x 0.00016; 1000 Genomes Project 0.00020; gnomAD 0.00095 and 0.00091.

Submission:

Illumina Laboratory Services, Illumina
Classification: Uncertain significance for Primary dilated cardiomyopathy. Last evaluated: 2017-04-27. Review status: criteria provided, single submitter. Criteria: ICSL Variant Classification Criteria 13 December 2019. Collection method: clinical testing. Allele origin: germline.
Comment: This variant was observed as part of a predisposition screen in an ostensibly healthy population. A literature search was performed for the gene, cDNA change, and amino acid change (where applicable). Publications were found based on this search. However, the evidence from the literature, in combination with allele frequency data from public databases where available, was not sufficient to rule this variant in or out of causing disease. Therefore, this variant is classified as a variant of unknown significance.

Literature cited by the submitters: PubMed 22892539.

NM_014391.2(ANKRD1):c.-79C>T

Gene: ANKRD1 (ankyrin repeat domain 1; minus strand). Cytogenetic location: 10q23.31.
Variant type: single nucleotide variant.
Coding change: c.-79C>T on transcript NM_014391.2; 79 bases upstream of the start codon, C replaced by T.
Genome position (GRCh38, 1-based): chr10:90,921,106, G>A on the plus strand (C>T on the coding strand, the complement: ANKRD1 is on the minus strand). VCF-style: chr10-90921106-G-A. GRCh37 (hg19) VCF-style: chr10-92680863-G-A.
Identifiers: ClinVar variation 880128 (VCV000880128.6), dbSNP rs369861544, ClinGen allele CA211426655.